The following is an entry in ClinVar:

ClinVar aggregate classification (germline): Uncertain significance (1 of 4 stars; one submission).

gnomAD v4.1: 1 of 1,614,152 alleles (0.000062%); highest among the groups gnomAD compares: Non-Finnish European, 0.000085%; no homozygotes.

Submission:

Labcorp Genetics (formerly Invitae), Labcorp
Classification: Uncertain significance. Last evaluated: 2025-06-05. Review status: criteria provided, single submitter. Criteria: Invitae Variant Classification Sherloc (09022015). Collection method: clinical testing. Allele origin: germline.
Comment: This sequence change replaces threonine, which is neutral and polar, with isoleucine, which is neutral and non-polar, at codon 606 of the KANK1 protein (p.Thr606Ile). This variant is not present in population databases (gnomAD no frequency). This variant has not been reported in the literature in individuals affected with KANK1-related conditions. Invitae Evidence Modeling of protein sequence and biophysical properties (such as structural, functional, and spatial information, amino acid conservation, physicochemical variation, residue mobility, and thermodynamic stability) indicates that this missense variant is not expected to disrupt KANK1 protein function with a negative predictive value of 80%. In summary, the available evidence is currently insufficient to determine the role of this variant in disease. Therefore, it has been classified as a Variant of Uncertain Significance.

NM_015158.5(KANK1):c.1817C>T (p.Thr606Ile)

Gene: KANK1 (KN motif and ankyrin repeat domains 1; plus strand). Cytogenetic location: 9p24.3.
Variant type: single nucleotide variant.
Coding change: c.1817C>T on transcript NM_015158.5 (MANE Select); coding-DNA position 1817, C replaced by T.
Protein change: p.Thr606Ile; replaces threonine 606 with isoleucine.
Molecular consequence: missense variant. On other transcripts: non-coding transcript variant (1).
Genome position (GRCh38, 1-based): chr9:712,583, C>T. VCF-style: chr9-712583-C-T. GRCh37 (hg19) VCF-style: chr9-712583-C-T.
Other names: c.1817C>T, p.Thr606Ile (NM_001256876.3, NM_001256877.3, NM_001354331.2 and 3 more transcripts); c.1343C>T, p.Thr448Ile (NM_001354333.2, NM_001354335.2, NM_001354336.2 and 10 more transcripts); short protein forms T448I, T606I.
Identifiers: ClinVar variation 4745046 (VCV004745046.1).
Genomic context (GRCh38, chr9:712,583, plus strand): 5'-TGGAAATGTGTGACAAGAGTGTGAGTGTGGAAGTCAGCGTCTGCGAAACAGGCAGCAACA[C>T]AGAGGAGTCTGTGAACGACCTCACACTCCTCAAGACAAACTTGAATCTCAAAGAAGTGCG-3'
Protein context (NP_055973.2, residues 596-616): EVSVCETGSN[Thr606Ile]EESVNDLTLL